The following is an entry in ClinVar:

NM_001199138.2(NLRC4):c.617G>C (p.Ser206Thr)

Gene: NLRC4 (NLR family CARD domain containing 4; minus strand). Cytogenetic location: 2p22.3.
Variant type: single nucleotide variant.
Coding change: c.617G>C on transcript NM_001199138.2 (MANE Select); coding-DNA position 617, G replaced by C.
Protein change: p.Ser206Thr; replaces serine 206 with threonine.
Molecular consequence: missense variant. On other transcripts: intron variant (1).
Genome position (GRCh38, 1-based): chr2:32,251,247, C>G on the plus strand (G>C on the coding strand, the complement: NLRC4 is on the minus strand). VCF-style: chr2-32251247-C-G. GRCh37 (hg19) VCF-style: chr2-32476316-C-G.
Other names: c.617G>C, p.Ser206Thr (NM_001199139.2, NM_021209.5); c.262+1172G>C (NM_001302504.1); short protein forms S206T.
Identifiers: ClinVar variation 843582 (VCV000843582.13), dbSNP rs200612957, ClinGen allele CA44753656.
Genomic context (GRCh38, chr2:32,251,247, plus strand): 5'-GTGCCAGGTATATCCAGGAGTTGATCACAGAGGGTTTCAAAAAGTCCACCCTGGGCCCTG[C>G]TGAGACGGAGGAAGAAGACGAATTTGAACTTGGTCAGAGCCTTGCACTTTCCGGAGCCCC-3'
Protein context (NP_001186067.1, residues 196-216): KFKFVFFLRL[Ser206Thr]RAQGGLFETL

ClinVar aggregate classification (germline): Uncertain significance. Review status: criteria provided, multiple submitters, no conflicts (2 of 4 stars). 3 submissions from 3 submitters: Uncertain significance (3). Last evaluated 2025-07-29.

Conditions:
Familial cold autoinflammatory syndrome 4 (FCAS4). Identifiers: Orphanet 47045, Orphanet 576349, MedGen C4015276, MONDO:0014498, OMIM 616115.
Periodic fever-infantile enterocolitis-autoinflammatory syndrome. Also called: Autoinflammation with infantile enterocolitis. Identifiers: Orphanet 436166, MedGen C4015067, MONDO:0014472, OMIM 616050.
Autoinflammatory syndrome. Identifiers: Orphanet 93665, MedGen C3890737, MONDO:0019751.

Allele frequency attached by ClinVar (database versions not stated): gnomAD exomes 0.00001; gnomAD 0.00002; ESP Exome Variant Server 0.00015; TOPMed 0.00001.
gnomAD v4.1: 22 of 1,614,052 alleles (0.0014%); highest among the groups gnomAD compares: Admixed American, 0.005%; no homozygotes.

Submissions (3):

Labcorp Genetics (formerly Invitae), Labcorp
Classification: Uncertain significance for Periodic fever-infantile enterocolitis-autoinflammatory syndrome; Familial cold autoinflammatory syndrome 4. Last evaluated: 2025-07-29. Review status: criteria provided, single submitter. Criteria: Invitae Variant Classification Sherloc (09022015). Collection method: clinical testing. Allele origin: germline.
Comment: This sequence change replaces serine, which is neutral and polar, with threonine, which is neutral and polar, at codon 206 of the NLRC4 protein (p.Ser206Thr). This variant is not present in population databases (gnomAD no frequency). This variant has not been reported in the literature in individuals affected with NLRC4-related conditions. ClinVar contains an entry for this variant (Variation ID: 843582). Invitae Evidence Modeling of protein sequence and biophysical properties (such as structural, functional, and spatial information, amino acid conservation, physicochemical variation, residue mobility, and thermodynamic stability) indicates that this missense variant is not expected to disrupt NLRC4 protein function with a negative predictive value of 80%. In summary, the available evidence is currently insufficient to determine the role of this variant in disease. Therefore, it has been classified as a Variant of Uncertain Significance.

Fulgent Genetics
Classification: Uncertain significance for Periodic fever-infantile enterocolitis-autoinflammatory syndrome; Familial cold autoinflammatory syndrome 4. Last evaluated: 2022-04-16. Review status: criteria provided, single submitter. Criteria: ACMG Guidelines, 2015. Collection method: clinical testing. Allele origin: unknown.

Genome Diagnostics Laboratory, The Hospital for Sick Children
Classification: Uncertain significance for Autoinflammatory syndrome. Last evaluated: 2016-12-12. Review status: criteria provided, single submitter. Criteria: ACMG Guidelines, 2015. Collection method: clinical testing. Allele origin: germline. Affected: yes.